The following is an entry in ClinVar:

NM_001098672.2(HEPHL1):c.3390G>A (p.Thr1130=)

Gene: HEPHL1 (hephaestin like 1; plus strand). Cytogenetic location: 11q21.
Variant type: single nucleotide variant.
Coding change: c.3390G>A on transcript NM_001098672.2 (MANE Select); coding-DNA position 3390, G replaced by A.
Protein change: p.Thr1130=; no amino-acid change (threonine 1130 retained).
Molecular consequence: synonymous variant.
Genome position (GRCh38, 1-based): chr11:94,111,804, G>A. VCF-style: chr11-94111804-G-A. GRCh37 (hg19) VCF-style: chr11-93844970-G-A.
Other names: NC_000011.9:g.93844970G>A.
Identifiers: ClinVar variation 3038344 (VCV003038344.17), dbSNP rs118037969, ClinGen allele CA6233827.

ClinVar aggregate classification (germline): Benign. Review status: criteria provided, single submitter (1 of 4 stars). 2 submissions from 2 submitters: Benign (1). 1 of the submissions does not count toward it. Last evaluated 2026-09-01.

Conditions:
HEPHL1-related disorder. Also called: HEPHL1-related condition.

Allele frequency attached by ClinVar (database versions not stated): 1000 Genomes Project 0.00180; 1000 Genomes Project 30x 0.00203; ESP Exome Variant Server 0.00652; ExAC 0.00697; gnomAD exomes 0.00898.
gnomAD v4.1: 13,655 of 1,572,764 alleles (0.87%); highest among the groups gnomAD compares: Non-Finnish European, 1.1%; 83 homozygotes.

Submissions (8):

CeGaT Center for Human Genetics Tuebingen
Classification: Benign. Last evaluated: 2026-09-01. Review status: criteria provided, single submitter. Criteria: CeGaT Center For Human Genetics Tuebingen Variant Classification Criteria Version 2. Collection method: clinical testing. Allele origin: germline. Affected: yes. Observed: 4 variant alleles.
Comment: HEPHL1: BP4, BP7, BS1, BS2

PreventionGenetics, part of Exact Sciences
Classification: Benign for HEPHL1-related condition. Last evaluated: 2019-11-19. Review status: no assertion criteria provided. Collection method: clinical testing. Allele origin: germline. Not counted in ClinVar's aggregate classification.
Comment: This variant is classified as benign based on ACMG/AMP sequence variant interpretation guidelines (Richards et al. 2015 PMID: 25741868, with internal and published modifications).

Dr. Peter K. Rogan Lab, Western University
No classification provided (evidence only). Condition: Lung cancer. Review status: no classification provided. Collection method: in vitro. Allele origin: not applicable. Functional consequence: retained intron. Not counted in ClinVar's aggregate classification.

Dr. Peter K. Rogan Lab, Western University
No classification provided (evidence only). Condition: Acute myeloid leukemia. Review status: no classification provided. Collection method: in vitro. Allele origin: not applicable. Functional consequence: retained intron. Not counted in ClinVar's aggregate classification.

Dr. Peter K. Rogan Lab, Western University
No classification provided (evidence only). Condition: Cervical cancer. Review status: no classification provided. Collection method: in vitro. Allele origin: not applicable. Functional consequence: retained intron. Not counted in ClinVar's aggregate classification.

Dr. Peter K. Rogan Lab, Western University
No classification provided (evidence only). Condition: Ovarian serous cystadenocarcinoma. Review status: no classification provided. Collection method: in vitro. Allele origin: not applicable. Functional consequence: retained intron. Not counted in ClinVar's aggregate classification.

Dr. Peter K. Rogan Lab, Western University
No classification provided (evidence only). Condition: Gastric cancer. Review status: no classification provided. Collection method: in vitro. Allele origin: not applicable. Functional consequence: retained intron. Not counted in ClinVar's aggregate classification.

Dr. Peter K. Rogan Lab, Western University
No classification provided (evidence only). Condition: Adrenocortical carcinoma, hereditary. Review status: no classification provided. Collection method: in vitro. Allele origin: not applicable. Functional consequence: retained intron. Not counted in ClinVar's aggregate classification.